The following is an entry in ClinVar:

NM_001048174.2(MUTYH):c.1031C>G (p.Ser344Cys)

Gene: MUTYH (mutY DNA glycosylase; minus strand). Cytogenetic location: 1p34.1.
Variant type: single nucleotide variant.
Coding change: c.1031C>G on transcript NM_001048174.2 (MANE Select); coding-DNA position 1031, C replaced by G.
Protein change: p.Ser344Cys; replaces serine 344 with cysteine.
Molecular consequence: missense variant. On other transcripts: non-coding transcript variant (2).
Genome position (GRCh38, 1-based): chr1:45,331,732, G>C on the plus strand (C>G on the coding strand, the complement: MUTYH is on the minus strand). VCF-style: chr1-45331732-G-C. GRCh37 (hg19) VCF-style: chr1-45797404-G-C.
Other names: c.1031C>G, p.Ser344Cys (NM_001048171.2, NM_001048173.2, NM_001293195.2); c.1034C>G, p.Ser345Cys (NM_001048172.2); c.1115C>G, p.Ser372Cys (NM_001128425.2); c.1076C>G, p.Ser359Cys (NM_001293190.2); c.1064C>G, p.Ser355Cys (NM_001293191.2); c.755C>G, p.Ser252Cys (NM_001293192.2, NM_001293196.2); c.686C>G, p.Ser229Cys (NM_001350650.2, NM_001350651.2); c.1106C>G, p.Ser369Cys (NM_012222.3); short protein forms S355C, S359C, S369C, S252C, S372C, S229C, S344C, S345C.
Identifiers: ClinVar variation 642680 (VCV000642680.13), dbSNP rs763862261, ClinGen allele CA340133505.

ClinVar aggregate classification (germline): Conflicting classifications of pathogenicity. Review status: criteria provided, conflicting classifications (1 of 4 stars). 3 submissions from 3 submitters: Uncertain significance (1); Benign (1). 1 of the submissions does not count toward it. Last evaluated 2025-09-09.

Conditions:
Hereditary cancer-predisposing syndrome. Also called: Neoplastic Syndromes, Hereditary; Hereditary Cancer Syndrome; Tumor predisposition; Hereditary neoplastic syndrome. Identifiers: Orphanet 140162, MedGen C0027672, MeSH D009386, MONDO:0015356.
Familial adenomatous polyposis 2. Also called: COLORECTAL ADENOMATOUS POLYPOSIS, AUTOSOMAL RECESSIVE; ADENOMAS, MULTIPLE COLORECTAL, AUTOSOMAL RECESSIVE; MUTYH-associated polyposis; MUTYH-related attenuated familial adenomatous polyposis; MUTYH Polyposis; Adenomas, multiple colorectal. Identifiers: Orphanet 220460, Orphanet 247798, MedGen C3272841, MONDO:0012041, OMIM 608456.

Allele frequency attached by ClinVar (database versions not stated): TOPMed below 0.00001; gnomAD 0.00001.
gnomAD v4.1: 1 of 1,614,082 alleles (0.000062%); no homozygotes.

Submissions (3):

Ambry Genetics
Classification: Benign for Hereditary cancer-predisposing syndrome. Last evaluated: 2025-09-09. Review status: criteria provided, single submitter. Criteria: Ambry Variant Classification Scheme 2023. Collection method: clinical testing. Allele origin: germline.

Labcorp Genetics (formerly Invitae), Labcorp
Classification: Uncertain significance for Familial adenomatous polyposis 2. Last evaluated: 2025-04-13. Review status: criteria provided, single submitter. Criteria: Invitae Variant Classification Sherloc (09022015). Collection method: clinical testing. Allele origin: germline.
Comment: This sequence change replaces serine, which is neutral and polar, with cysteine, which is neutral and slightly polar, at codon 372 of the MUTYH protein (p.Ser372Cys). This variant is not present in population databases (gnomAD no frequency). This variant has not been reported in the literature in individuals affected with MUTYH-related conditions. ClinVar contains an entry for this variant (Variation ID: 642680). An algorithm developed to predict the effect of missense changes on protein structure and function outputs the following: PolyPhen-2: "Benign". The cysteine amino acid residue is found in multiple mammalian species, which suggests that this missense change does not adversely affect protein function. In summary, the available evidence is currently insufficient to determine the role of this variant in disease. Therefore, it has been classified as a Variant of Uncertain Significance.

Department of Pathology and Laboratory Medicine, Sinai Health System
Classification: Uncertain significance for Familial adenomatous polyposis 2. Review status: no assertion criteria provided. Collection method: clinical testing. Allele origin: unknown. Affected: yes. Study: The Canadian Open Genetics Repository (COGR). Not counted in ClinVar's aggregate classification.
Comment: MUTYH, EXON12, c.1115C>G, p.Ser372Cys, Heterozygous, Uncertain Significance The MUTYH p.Ser372Cys variant was not identified in the literature nor was it identified in dbSNP or ClinVar. The variant was not identified in the following control databases: the Exome Aggregation Consortium (August 8th 2016) or the Genome Aggregation Database (Feb 27, 2017). The p.Ser372 residue is not conserved in mammals and computational analyses (PolyPhen-2, SIFT, AlignGVGD, BLOSUM, MutationTaster) provide inconsistent predictions regarding the impact to the protein; this information is not very predictive of pathogenicity. The variant occurs outside of the splicing consensus sequence and in silico or computational prediction software programs (SpliceSiteFinder, MaxEntScan, NNSPLICE, GeneSplicer) do not predict a difference in splicing. In summary, based on the above information, the clinical significance of this variant cannot be determined with certainty at this time. This variant is classified as a variant of uncertain significance. Assessment Date: 2019/07/22.

Literature cited by the submitters: PubMed 40738107 (cited by Ambry Genetics).